The following is an entry in ClinVar:

NM_020911.2(PLXNA4):c.752G>A (p.Gly251Asp)

Gene: PLXNA4 (plexin A4; minus strand). Cytogenetic location: 7q32.3.
Variant type: single nucleotide variant.
Coding change: c.752G>A on transcript NM_020911.2 (MANE Select); coding-DNA position 752, G replaced by A.
Protein change: p.Gly251Asp; replaces glycine 251 with aspartic acid.
Molecular consequence: missense variant.
Genome position (GRCh38, 1-based): chr7:132,507,942, C>T on the plus strand (G>A on the coding strand, the complement: PLXNA4 is on the minus strand). VCF-style: chr7-132507942-C-T. GRCh37 (hg19) VCF-style: chr7-132192701-C-T.
Other names: c.752G>A, p.Gly251Asp (NM_001105543.2, NM_001393897.1, NM_181775.4); short protein forms G251D.
Identifiers: ClinVar variation 3350003 (VCV003350003.1).

ClinVar aggregate classification (germline): Uncertain significance (0 of 4 stars; one submission).

Conditions:
PLXNA4-related disorder. Also called: PLXNA4-related condition.

Submission:

PreventionGenetics, part of Exact Sciences
Classification: Uncertain significance for PLXNA4-related condition. Last evaluated: 2023-12-07. Review status: no assertion criteria provided. Collection method: clinical testing. Allele origin: germline.
Comment: The PLXNA4 c.752G>A variant is predicted to result in the amino acid substitution p.Gly251Asp. To our knowledge, this variant has not been reported in the literature or in a large population database, indicating this variant is rare. At this time, the clinical significance of this variant is uncertain due to the absence of conclusive functional and genetic evidence.